The following is an entry in ClinVar:

ClinVar aggregate classification (germline): Uncertain significance (1 of 4 stars; one submission).

gnomAD v4.1: 1 of 1,549,496 alleles (0.000065%); highest among the groups gnomAD compares: Non-Finnish European, 0.000087%; no homozygotes.

Submission:

GeneDx
Classification: Uncertain significance. Last evaluated: 2025-06-23. Review status: criteria provided, single submitter. Criteria: GeneDx Variant Classification Process June 2021. Collection method: clinical testing. Allele origin: germline. Affected: yes.
Comment: Not observed at significant frequency in large population cohorts (gnomAD); In silico analysis supports that this missense variant has a deleterious effect on protein structure/function; Has not been previously published as pathogenic or benign to our knowledge

NM_001005273.3(CHD3):c.5460G>C (p.Gln1820His)

Gene: CHD3 (chromodomain helicase DNA binding protein 3; plus strand). Cytogenetic location: 17p13.1.
Variant type: single nucleotide variant.
Coding change: c.5460G>C on transcript NM_001005273.3 (MANE Select); coding-DNA position 5460, G replaced by C.
Protein change: p.Gln1820His; replaces glutamine 1820 with histidine.
Molecular consequence: missense variant.
Genome position (GRCh38, 1-based): chr17:7,909,208, G>C. VCF-style: chr17-7909208-G-C. GRCh37 (hg19) VCF-style: chr17-7812526-G-C.
Other names: c.5637G>C, p.Gln1879His (NM_001005271.3, NM_001437504.1); c.5625G>C, p.Gln1875His (NM_001437507.1); c.5523G>C, p.Gln1841His (NM_001437508.1); c.5628G>C, p.Gln1876His (NM_001437509.1); c.5358G>C, p.Gln1786His (NM_005852.4); short protein forms Q1786H, Q1820H, Q1841H, Q1875H, Q1876H, Q1879H.
Identifiers: ClinVar variation 4540252 (VCV004540252.1).